The following is an entry in ClinVar:

ClinVar aggregate classification (germline): Likely benign (1 of 4 stars; one submission).

Conditions:
NCAPG2-related disorder. Also called: NCAPG2-related condition.

Submission:

PreventionGenetics, part of Exact Sciences
Classification: Likely benign for NCAPG2-related condition. Last evaluated: 2024-12-02. Review status: criteria provided, single submitter. Criteria: ACMG Guidelines, 2015. Collection method: clinical testing. Allele origin: germline.
Comment: This variant is classified as likely benign based on ACMG/AMP sequence variant interpretation guidelines (Richards et al. 2015 PMID: 25741868, with internal and published modifications).

NM_017760.7(NCAPG2):c.78+10A>G

Gene: NCAPG2 (non-SMC condensin II complex subunit G2; minus strand). Cytogenetic location: 7q36.3.
Variant type: single nucleotide variant.
Coding change: c.78+10A>G on transcript NM_017760.7 (MANE Select); 10 bases into the intron after coding-DNA position 78, A replaced by G.
Molecular consequence: intron variant.
Genome position (GRCh38, 1-based): chr7:158,701,812, T>C on the plus strand (A>G on the coding strand, the complement: NCAPG2 is on the minus strand). VCF-style: chr7-158701812-T-C. GRCh37 (hg19) VCF-style: chr7-158494503-T-C.
Other names: c.78+10A>G (NM_001281932.2, NM_001281933.2).
Identifiers: ClinVar variation 4998230 (VCV004998230.1).